The following is an entry in ClinVar:

NM_014714.4(IFT140):c.4385C>T (p.Pro1462Leu)

Gene: IFT140 (intraflagellar transport 140; minus strand). Cytogenetic location: 16p13.3.
Variant type: single nucleotide variant.
Coding change: c.4385C>T on transcript NM_014714.4 (MANE Select); coding-DNA position 4385, C replaced by T.
Protein change: p.Pro1462Leu; replaces proline 1462 with leucine.
Molecular consequence: missense variant.
Genome position (GRCh38, 1-based): chr16:1,510,948, G>A on the plus strand (C>T on the coding strand, the complement: IFT140 is on the minus strand). VCF-style: chr16-1510948-G-A. GRCh37 (hg19) VCF-style: chr16-1560949-G-A.
Other names: short protein forms P1462L.
Identifiers: ClinVar variation 971136 (VCV000971136.8), dbSNP rs1198844614, ClinGen allele CA394222176.

ClinVar aggregate classification (germline): Uncertain significance. Review status: criteria provided, multiple submitters, no conflicts (2 of 4 stars). 3 submissions from 3 submitters: Uncertain significance (3). Last evaluated 2025-04-03.

Conditions:
Inborn genetic diseases. Identifiers: MedGen C0950123, MeSH D030342.
Saldino-Mainzer syndrome (SRTD9). Also called: CONORENAL SYNDROME; SHORT-RIB THORACIC DYSPLASIA 9 WITHOUT POLYDACTYLY; short-rib thoracic dysplasia 9 with or without polydactyly; Renal dysplasia, retinal pigmentary dystrophy, cerebellar ataxia and skeletal dysplasia. Identifiers: Orphanet 140969, MedGen C1849437, MONDO:0009964, OMIM 266920.
Retinitis pigmentosa 80 (RP80). Identifiers: MedGen C4540439, MONDO:0054708, OMIM 617781.

Allele frequency attached by ClinVar (database versions not stated): gnomAD exomes below 0.00001 and 0.00001; gnomAD 0.00003; TOPMed 0.00003.
gnomAD v4.1: 11 of 1,610,874 alleles (0.00068%); highest among the groups gnomAD compares: South Asian, 0.0011%; no homozygotes.

Submissions (3):

Ambry Genetics
Classification: Uncertain significance for Inborn genetic diseases. Last evaluated: 2025-04-03. Review status: criteria provided, single submitter. Criteria: Ambry Variant Classification Scheme 2023. Collection method: clinical testing. Allele origin: germline.

Fulgent Genetics
Classification: Uncertain significance for Saldino-Mainzer syndrome; Retinitis pigmentosa 80. Last evaluated: 2024-05-07. Review status: criteria provided, single submitter. Criteria: ACMG Guidelines, 2015. Collection method: clinical testing. Allele origin: germline.

Labcorp Genetics (formerly Invitae), Labcorp
Classification: Uncertain significance for Saldino-Mainzer syndrome. Last evaluated: 2024-02-24. Review status: criteria provided, single submitter. Criteria: Invitae Variant Classification Sherloc (09022015). Collection method: clinical testing. Allele origin: germline.
Comment: This sequence change replaces proline, which is neutral and non-polar, with leucine, which is neutral and non-polar, at codon 1462 of the IFT140 protein (p.Pro1462Leu). This variant is present in population databases (no rsID available, gnomAD 0.002%). This variant has not been reported in the literature in individuals affected with IFT140-related conditions. ClinVar contains an entry for this variant (Variation ID: 971136). Advanced modeling of protein sequence and biophysical properties (such as structural, functional, and spatial information, amino acid conservation, physicochemical variation, residue mobility, and thermodynamic stability) performed at Invitae indicates that this missense variant is not expected to disrupt IFT140 protein function with a negative predictive value of 95%. In summary, the available evidence is currently insufficient to determine the role of this variant in disease. Therefore, it has been classified as a Variant of Uncertain Significance.